The following is an entry in ClinVar:

ClinVar aggregate classification (germline): Pathogenic. Review status: criteria provided, multiple submitters, no conflicts (2 of 4 stars). 9 submissions from 9 submitters: Pathogenic (9). Last evaluated 2026-05-11.

Conditions:
Cardiovascular phenotype. Identifiers: MedGen CN230736.
Hereditary hemorrhagic telangiectasia (HHT). Also called: ORW DISEASE; Osler Weber Rendu syndrome; OSLER-RENDU-WEBER DISEASE; Osler hemorrhagic telangiectasia syndrome. Identifiers: Orphanet 774, MedGen C0039445, MONDO:0019180. Disease mechanism: loss of function.
ENG-related disorder. Also called: ENG-related condition; ENG-related disorders.
Telangiectasia, hereditary hemorrhagic, type 1 (HHT1). Also called: Osler Weber Rendu syndrome type 1; ENG-Related Hereditary Hemorrhagic Telangiectasia. Identifiers: Orphanet 774, MedGen C4551861, MONDO:0008535, OMIM 187300. Disease mechanism: loss of function.

Submissions (9):

GeneDx
Classification: Pathogenic. Last evaluated: 2026-05-11. Review status: criteria provided, single submitter. Criteria: GeneDx Variant Classification Process June 2021. Collection method: clinical testing. Allele origin: germline.
Comment: Frameshift variant predicted to result in protein truncation or nonsense mediated decay in a gene for which loss of function is a known mechanism of disease; Identified in patients with clinical features consistent with HHT referred for genetic testing at GeneDx and in published literature (PMID: 16470787, 19508727, 22991266); Not observed at significant frequency in large population cohorts (gnomAD); This variant is associated with the following publications: (PMID: 22991266, 23801935, 34872578, 15266205, 15879500, 19508727, 21158752, 32300199, 32573726, 16470787)

PreventionGenetics, part of Exact Sciences
Classification: Pathogenic for ENG-related condition. Last evaluated: 2025-04-25. Review status: criteria provided, single submitter. Criteria: ACMG Guidelines, 2015. Collection method: clinical testing. Allele origin: germline.
Comment: The ENG c.1195delA variant is predicted to result in a frameshift and premature protein termination (p.Arg399Glyfs*22). This variant has been reported in multiple individuals and families with hereditary hemorrhagic telangiectasia (HHT) (Bayrak-Toydemir et al. 2004. PubMed ID: 15266205; Supplementary Table, Nishida et al. 2012. PubMed ID: 22991266; Table S1, McDonald et al. 2020. PubMed ID: 32300199; Supplementary Table 1A, Shovlin et al. 2020. PubMed ID: 32573726; Kitayama et al. 2021. PubMed ID: 34872578). This variant has not been reported in a large population database (gnomAD), indicating this variant is rare. Frameshift variants in ENG are expected to be pathogenic. This variant is interpreted as pathogenic.

Ambry Genetics
Classification: Pathogenic for Cardiovascular phenotype. Last evaluated: 2025-03-25. Review status: criteria provided, single submitter. Criteria: Ambry Variant Classification Scheme 2023. Collection method: clinical testing. Allele origin: germline.
Comment: The c.1195delA pathogenic mutation, located in coding exon 9 of the ENG gene, results from a deletion of one nucleotide at nucleotide position 1195, causing a translational frameshift with a predicted alternate stop codon (p.R399Gfs*22). This variant was reported in individual(s) with features consistent with hereditary hemorrhagic telangiectasia (Bayrak-Toydemir P et al. Genet. Med.;6:175-91; Nishida T et al. Am. J. Med. Genet. A, 2012 Nov;158A:2829-34). This variant is considered to be rare based on population cohorts in the Genome Aggregation Database (gnomAD). This alteration is expected to result in loss of function by premature protein truncation or nonsense-mediated mRNA decay. As such, this alteration is interpreted as a disease-causing mutation.

Labcorp Genetics (formerly Invitae), Labcorp
Classification: Pathogenic for Hereditary hemorrhagic telangiectasia. Last evaluated: 2024-10-08. Review status: criteria provided, single submitter. Criteria: Invitae Variant Classification Sherloc (09022015). Collection method: clinical testing. Allele origin: germline.
Comment: This sequence change creates a premature translational stop signal (p.Arg399Glyfs*22) in the ENG gene. It is expected to result in an absent or disrupted protein product. Loss-of-function variants in ENG are known to be pathogenic (PMID: 15879500). This variant is not present in population databases (gnomAD no frequency). This premature translational stop signal has been observed in individual(s) with hereditary hemorrhagic telangiectasia (PMID: 22991266). ClinVar contains an entry for this variant (Variation ID: 429544). For these reasons, this variant has been classified as Pathogenic.

Impact Genetics, Dynacare/LabCorp
Classification: Pathogenic for Telangiectasia, hereditary hemorrhagic, type 1. Last evaluated: 2023-09-24. Review status: criteria provided, single submitter. Criteria: DeMille et al. (Hum Mutat. 2024). Collection method: clinical testing. Allele origin: germline.
Comment: PVS1, PS4, PM2_supporting

Victorian Clinical Genetics Services, Murdoch Childrens Research Institute
Classification: Pathogenic for Telangiectasia, hereditary hemorrhagic, type 1. Last evaluated: 2020-07-02. Review status: criteria provided, single submitter. Criteria: ACMG Guidelines, 2015. Collection method: clinical testing. Allele origin: germline. Inheritance: Autosomal dominant inheritance.
Comment: Based on the classification scheme VCGS_Germline_v1.3.3, this variant is classified as Pathogenic. Following criteria are met: 0103 - Dominant negative and loss of function are known mechanisms of disease in this gene and are associated with hereditary hemorrhagic telangiectasia. Variants resulting in a truncated protein have a loss of function effect on protein (Decipher), while missense variant have been demonstrated to have both loss of function and dominant negative effects on protein activity (PMID 25312062). (I) 0107 - This gene is associated with autosomal dominant disease. (I) 0201 - Variant is predicted to cause nonsense-mediated decay (NMD) and loss of protein (premature termination codon is located at least 54 nucleotides upstream of the final exon-exon junction). (SP) 0251 - This variant is heterozygous. (I) 0301 - Variant is absent from gnomAD (both v2 and v3). (SP) 0701 - Other NMD-predicted variants comparable to the one identified in this case have very strong previous evidence for pathogenicity, and have been reported in patients with hereditary hemorrhagic telangiectasia (Decipher). (SP) 0802 - This variant has moderate previous evidence of pathogenicity in unrelated individuals. This variant has been reported in several patients with hereditary hemorrhagic telangiectasia (ClinVar, PMID: 19508727, PMID: 21158752). (SP) 1208 - Inheritance information for this variant is not currently available in this individual. (I) Legend: (SP) - Supporting pathogenic, (I) - Information, (SB) - Supporting benign

ARUP Laboratories, Molecular Genetics and Genomics, ARUP Laboratories
Classification: Pathogenic for Telangiectasia, hereditary hemorrhagic, type 1. Last evaluated: 2018-09-18. Review status: criteria provided, single submitter. Criteria: ARUP Molecular Germline Variant Investigation Process. Collection method: clinical testing. Allele origin: germline.
Comment: The ENG c.1195delA; p.Arg399fs variant is reported in the literature in multiple individuals with symptoms or a clinical diagnosis of HHT (Bayrak-Toydemir 2004, Bayrak-Toydemir 2006, Nishida 2012, Sadick 2009). Additionally, ARUP has documented segregation of this variant with disease in affected individuals of multiple families. This variant is reported in ClinVar (Variation ID: 429544), but it is absent from general population databases (Exome Variant Server, Genome Aggregation Database), indicating it is not a common polymorphism. This variant causes a frameshift by deleting a single nucleotide, so it is predicted to result in a truncated protein or mRNA subject to nonsense-mediated decay. Based on available information, this variant is considered to be pathogenic. References: Bayrak-Toydemir P et al. Genotype-phenotype correlation in hereditary hemorrhagic telangiectasia: mutations and manifestations. Am J Med Genet A. 2006 Mar 1;140(5):463-70. Bayrak-Toydemir P et al. Hereditary hemorrhagic telangiectasia: an overview of diagnosis and management in the molecular era for clinicians. Genet Med. 2004 Jul-Aug;6(4):175-91. Nishida T et al. Brain arteriovenous malformations associated with hereditary hemorrhagic telangiectasia: gene-phenotype correlations. Am J Med Genet A. 2012 Nov;158A(11):2829-34. Sadick H et al. Mutation analysis of Endoglin" and "Activin receptor-like kinase" genes in German patients with hereditary hemorrhagic telangiectasia and the value of rapid genotyping using an allele-specific PCR-technique. BMC Med Genet. 2009 Jun 9;10:53. doi: 10.1186/1471-2350-10-53. "

NIHR Bioresource Rare Diseases, University of Cambridge
Classification: Pathogenic for Telangiectasia, hereditary hemorrhagic, type 1. Last evaluated: 2018-01-01. Review status: criteria provided, single submitter. Criteria: ACMG Guidelines, 2015. Collection method: research. Allele origin: unknown. Affected: yes. Observed: 1 variant allele.
Comment: PVS1+PM2+PP4

Seattle Children's Hospital Molecular Genetics Laboratory, Seattle Children's Hospital
Classification: Pathogenic for Hereditary hemorrhagic telangiectasia. Review status: criteria provided, single submitter. Criteria: ACMG Guidelines, 2015. Collection method: clinical testing. Allele origin: germline. Affected: yes.
Comment: A heterozygous pathogenic variant was detected in exon 9 of the ENG gene (NM_000118.3:c.1195delA, p.Arg399Glyfs*22). The deletion of one nucleotide results in substitution of the arginine at amino acid 399 with a glycine, followed by a premature stop codon 22 amino acids downstream. This is expected to result in loss-of-function of the ENG protein.

Literature cited by the submitters: PubMed 15266205 (cited by Ambry Genetics and Impact Genetics, Dynacare/LabCorp); PubMed 22991266 (cited by 3 submitters); PubMed 15879500 (cited by Labcorp Genetics (formerly Invitae), Labcorp); PubMed 32573726 (cited by Impact Genetics, Dynacare/LabCorp and NIHR Bioresource Rare Diseases, University of Cambridge); PubMed 19508727 (cited by Impact Genetics, Dynacare/LabCorp and Victorian Clinical Genetics Services, Murdoch Childrens Research Institute); PubMed 21158752 (cited by Victorian Clinical Genetics Services, Murdoch Childrens Research Institute); PubMed 25312062 (cited by Victorian Clinical Genetics Services, Murdoch Childrens Research Institute).

NM_001114753.3(ENG):c.1195del (p.Arg399fs)

Genes: ENG (endoglin; minus strand), LOC102723566 (uncharacterized LOC102723566; plus strand). Cytogenetic location: 9q34.11.
Variant type: Deletion.
Coding change: c.1195del on transcript NM_001114753.3 (MANE Select); coding-DNA position 1195, one base deleted (A; older notation c.1195delA).
Protein change: p.Arg399fs; shifts the reading frame from arginine 399.
Molecular consequence: frameshift variant.
Genome position (GRCh38, 1-based): chr9:127,819,977, T deleted on the plus strand (A on the coding strand, the reverse complement: ENG is on the minus strand). VCF-style (leftmost placement, unchanged base first): chr9-127819976-CT-C. GRCh37 (hg19) VCF-style: chr9-130582255-CT-C.
Other names: c.1195delA, p.Arg399Glyfs (NM_000118.4); c.649del, p.Arg217fs (NM_001278138.2); c.1195del (NM_000118.2); c.1195delA (NM_000118.3); short protein forms R217fs, R399fs.
Identifiers: ClinVar variation 429544 (VCV000429544.27), dbSNP rs1131691444, ClinGen allele CA645369414.